The following is an entry in ClinVar:

ClinVar aggregate classification (germline): Uncertain significance. Review status: criteria provided, multiple submitters, no conflicts (2 of 4 stars). 3 submissions from 3 submitters: Uncertain significance (3). Last evaluated 2025-07-22.

Conditions:
Phosphate transport defect (GSD1C). Also called: GLYCOGEN STORAGE DISEASE Ic; GSD Ic. Identifiers: Orphanet 364, Orphanet 79259, MedGen C0342749, OMIM 232240.
Glucose-6-phosphate transport defect (GSD1B). Also called: Glycogen Storage Disease Type Ib; GSD Ib. Identifiers: Orphanet 364, Orphanet 79259, MedGen C0268146, MONDO:0009288, OMIM 232220.
Congenital disorder of glycosylation, type IIw. Identifiers: MedGen C5561986, MONDO:0030437, OMIM 619525.
Inborn genetic diseases. Identifiers: MedGen C0950123, MeSH D030342.

Allele frequency attached by ClinVar (database versions not stated): gnomAD 0.00001; gnomAD exomes 0.00002; TOPMed 0.00002.

Submissions (3):

Labcorp Genetics (formerly Invitae), Labcorp
Classification: Uncertain significance for Glucose-6-phosphate transport defect. Last evaluated: 2025-07-22. Review status: criteria provided, single submitter. Criteria: Invitae Variant Classification Sherloc (09022015). Collection method: clinical testing. Allele origin: germline.
Comment: This sequence change replaces threonine, which is neutral and polar, with methionine, which is neutral and non-polar, at codon 168 of the SLC37A4 protein (p.Thr168Met). This variant is present in population databases (no rsID available, gnomAD 0.01%). This variant has not been reported in the literature in individuals affected with SLC37A4-related conditions. ClinVar contains an entry for this variant (Variation ID: 1383252). Invitae Evidence Modeling of protein sequence and biophysical properties (such as structural, functional, and spatial information, amino acid conservation, physicochemical variation, residue mobility, and thermodynamic stability) indicates that this missense variant is not expected to disrupt SLC37A4 protein function with a negative predictive value of 80%. In summary, the available evidence is currently insufficient to determine the role of this variant in disease. Therefore, it has been classified as a Variant of Uncertain Significance.

Ambry Genetics
Classification: Uncertain significance for Inborn genetic diseases. Last evaluated: 2022-06-06. Review status: criteria provided, single submitter. Criteria: Ambry Variant Classification Scheme 2023. Collection method: clinical testing. Allele origin: germline.
Comment: The p.T168M variant (also known as c.503C>T), located in coding exon 3 of the SLC37A4 gene, results from a C to T substitution at nucleotide position 503. The threonine at codon 168 is replaced by methionine, an amino acid with similar properties. This amino acid position is conserved. In addition, the in silico prediction for this alteration is inconclusive. Since supporting evidence is limited at this time, the clinical significance of this alteration remains unclear.

Fulgent Genetics
Classification: Uncertain significance for Glucose-6-phosphate transport defect; Phosphate transport defect; Congenital disorder of glycosylation, type IIw. Last evaluated: 2021-12-14. Review status: criteria provided, single submitter. Criteria: ACMG Guidelines, 2015. Collection method: clinical testing. Allele origin: unknown.

NM_001164277.2(SLC37A4):c.503C>T (p.Thr168Met)

Gene: SLC37A4 (solute carrier family 37 member 4; minus strand). Cytogenetic location: 11q23.3.
Variant type: single nucleotide variant.
Coding change: c.503C>T on transcript NM_001164277.2 (MANE Select); coding-DNA position 503, C replaced by T.
Protein change: p.Thr168Met; replaces threonine 168 with methionine.
Molecular consequence: missense variant.
Genome position (GRCh38, 1-based): chr11:119,027,751, G>A on the plus strand (C>T on the coding strand, the complement: SLC37A4 is on the minus strand). VCF-style: chr11-119027751-G-A. GRCh37 (hg19) VCF-style: chr11-118898461-G-A.
Other names: c.503C>T, p.Thr168Met (NM_001164278.2, NM_001164280.2, NM_001467.6); c.284C>T, p.Thr95Met (NM_001164279.2); short protein forms T95M, T168M.
Identifiers: ClinVar variation 1383252 (VCV001383252.9), dbSNP rs754982680, ClinGen allele CA382902754.